The following is an entry in ClinVar:

ClinVar aggregate classification (germline): Uncertain significance (1 of 4 stars; one submission).

Conditions:
Familial thoracic aortic aneurysm and aortic dissection (TAAD). Also called: Thoracic aortic aneurysms and dissections. Identifiers: Orphanet 91387, MedGen C4707243, MONDO:0019625.
Hereditary cancer-predisposing syndrome. Also called: Neoplastic Syndromes, Hereditary; Tumor predisposition; Hereditary neoplastic syndrome; Hereditary Cancer Syndrome. Identifiers: Orphanet 140162, MedGen C0027672, MeSH D009386, MONDO:0015356.

Submission:

Ambry Genetics
Classification: Uncertain significance for Hereditary cancer-predisposing syndrome; Familial thoracic aortic aneurysm and aortic dissection. Last evaluated: 2025-05-19. Review status: criteria provided, single submitter. Criteria: Ambry Variant Classification Scheme 2023. Collection method: clinical testing. Allele origin: germline.
Comment: The p.P470H variant (also known as c.1409C>A), located in coding exon 10 of the SMAD4 gene, results from a C to A substitution at nucleotide position 1409. The proline at codon 470 is replaced by histidine, an amino acid with similar properties. This amino acid position is conserved. In addition, this alteration is predicted to be deleterious by in silico analysis. Based on the available evidence, the clinical significance of this variant remains unclear.

NM_005359.6(SMAD4):c.1409C>A (p.Pro470His)

Gene: SMAD4 (SMAD family member 4; plus strand). Cytogenetic location: 18q21.2.
Variant type: single nucleotide variant.
Coding change: c.1409C>A on transcript NM_005359.6 (MANE Select); coding-DNA position 1409, C replaced by A.
Protein change: p.Pro470His; replaces proline 470 with histidine.
Molecular consequence: missense variant. On other transcripts: non-coding transcript variant (1).
Genome position (GRCh38, 1-based): chr18:51,076,738, C>A. VCF-style: chr18-51076738-C-A. GRCh37 (hg19) VCF-style: chr18-48603108-C-A.
Other names: c.1409C>A, p.Pro470His (NM_001407041.1, NM_001407042.1); short protein forms P470H.
Identifiers: ClinVar variation 4045387 (VCV004045387.1).